The following is an entry in ClinVar:

ClinVar aggregate classification (germline): Likely pathogenic. Review status: criteria provided, multiple submitters, no conflicts (2 of 4 stars). 2 submissions from 2 submitters: Likely pathogenic (2). Last evaluated 2026-07-15.

Conditions:
ARSG-related disorder. Also called: ARSG-related condition.

gnomAD v4.1: 13 of 1,614,066 alleles (0.00081%); highest among the groups gnomAD compares: Admixed American, 0.0017%; no homozygotes.

Submissions (2):

PreventionGenetics, part of Exact Sciences
Classification: Likely pathogenic for ARSG-related condition. Last evaluated: 2026-07-15. Review status: criteria provided, single submitter. Criteria: ACMG Guidelines, 2015. Collection method: clinical testing. Allele origin: germline.
Comment: The ARSG c.704+1G>A variant is predicted to disrupt the GT donor site and interfere with normal splicing. To our knowledge, this variant has not been reported in the literature in association with disease. This variant is reported in 0.0018% of alleles in individuals of European (Non-Finnish) descent in gnomAD, and has been reported in a carrier screen of the general population (Hanany et al. 2020. PubMed ID: 31964843). Variants that disrupt the consensus splice donor site in ARSG are an established mechanism of disease. This variant is interpreted as likely pathogenic.

Labcorp Genetics (formerly Invitae), Labcorp
Classification: Likely pathogenic. Last evaluated: 2025-08-24. Review status: criteria provided, single submitter. Criteria: Invitae Variant Classification Sherloc (09022015). Collection method: clinical testing. Allele origin: germline.
Comment: This sequence change affects a donor splice site in intron 6 of the ARSG gene. It is expected to disrupt RNA splicing. Variants that disrupt the donor or acceptor splice site typically lead to a loss of protein function (PMID: 16199547), and loss-of-function variants in ARSG are known to be pathogenic (PMID: 26975023, 34223797). This variant is present in population databases (rs780264266, gnomAD 0.002%). This variant has not been reported in the literature in individuals affected with ARSG-related conditions. Algorithms developed to predict the effect of sequence changes on RNA splicing suggest that this variant may disrupt the consensus splice site. In summary, the currently available evidence indicates that the variant is pathogenic, but additional data are needed to prove that conclusively. Therefore, this variant has been classified as Likely Pathogenic.

Literature cited by the submitters: PubMed 16199547 (cited by Labcorp Genetics (formerly Invitae), Labcorp); PubMed 26975023 (cited by Labcorp Genetics (formerly Invitae), Labcorp); PubMed 34223797 (cited by Labcorp Genetics (formerly Invitae), Labcorp).

NM_001267727.2(ARSG):c.704+1G>A

Genes: ARSG (arylsulfatase G; plus strand), LOC130061524 (ATAC-STARR-seq lymphoblastoid active region 12647; plus strand). Cytogenetic location: 17q24.2.
Variant type: single nucleotide variant.
Coding change: c.704+1G>A on transcript NM_001267727.2 (MANE Select); the canonical splice donor site of the intron after coding-DNA position 704, G replaced by A.
Molecular consequence: splice donor variant.
Genome position (GRCh38, 1-based): chr17:68,356,805, G>A. VCF-style: chr17-68356805-G-A. GRCh37 (hg19) VCF-style: chr17-66352946-G-A.
Other names: c.704+1G>A (NM_014960.4, NM_001352904.2, NM_014960.5 and 9 more transcripts); c.656+1G>A (NM_001352909.2).
Identifiers: ClinVar variation 4763155 (VCV004763155.2).